The following is an entry in ClinVar:

ClinVar aggregate classification (germline): Pathogenic (1 of 4 stars; one submission).

Conditions:
Duchenne muscular dystrophy (DMD). Also called: MUSCULAR DYSTROPHY, PSEUDOHYPERTROPHIC PROGRESSIVE, DUCHENNE TYPE; Duchenne Muscular Dystrophy (DMD). Identifiers: Orphanet 98896, MedGen C0013264, MONDO:0010679, OMIM 310200.

Submission:

Labcorp Genetics (formerly Invitae), Labcorp
Classification: Pathogenic for Duchenne muscular dystrophy. Last evaluated: 2022-12-15. Review status: criteria provided, single submitter. Criteria: Invitae Variant Classification Sherloc (09022015). Collection method: clinical testing. Allele origin: unknown.
Comment: For these reasons, this variant has been classified as Pathogenic. A similar copy number variant has been observed in individuals with Duchenne or Becker muscular dystrophy (PMID: 8543940, 16030524, 18353051). This variant is a gross deletion of the genomic region encompassing exon(s) 12 of the DMD gene. This deletion is out-of-frame, and is expected to create a premature termination codon and result in an absent or disrupted protein product. Loss-of-function variants in DMD are known to be pathogenic (PMID: 16770791, 25007885).

Literature cited by the submitters: PubMed 8543940; PubMed 16030524; PubMed 18353051; PubMed 16770791; PubMed 25007885.

NC_000023.10:g.(?_32632400)_(32632590_?)del

Gene: DMD (dystrophin; minus strand). Cytogenetic location: Xp21.1.
Variant type: Deletion.
Identifiers: ClinVar variation 3248417 (VCV003248417.1).